The following is an entry in ClinVar:

ClinVar aggregate classification (germline): Uncertain significance. Review status: criteria provided, multiple submitters, no conflicts (2 of 4 stars). 2 submissions from 2 submitters: Uncertain significance (2). Last evaluated 2024-03-05.

Conditions:
Multiple endocrine neoplasia, type 1 (MEN1). Also called: MEN I; WERMER SYNDROME; Endocrine adenomatosis multiple; MEN 1; MEA I. Identifiers: Orphanet 652, MedGen C0025267, MeSH D018761, MONDO:0007540, OMIM 131100.

Submissions (2):

Baylor Genetics
Classification: Uncertain significance for Multiple Endocrine Neoplasia Type 1. Last evaluated: 2024-03-05. Review status: criteria provided, single submitter. Criteria: ACMG Guidelines, 2015. Collection method: clinical testing. Allele origin: unknown.

Labcorp Genetics (formerly Invitae), Labcorp
Classification: Uncertain significance for Multiple endocrine neoplasia, type 1. Last evaluated: 2019-07-23. Review status: criteria provided, single submitter. Criteria: Invitae Variant Classification Sherloc (09022015). Collection method: clinical testing. Allele origin: germline.
Comment: This sequence change replaces glutamic acid with glycine at codon 60 of the MEN1 protein (p.Glu60Gly). The glutamic acid residue is moderately conserved and there is a moderate physicochemical difference between glutamic acid and glycine. This variant is not present in population databases (ExAC no frequency). This variant has not been reported in the literature in individuals with MEN1-related conditions. Algorithms developed to predict the effect of missense changes on protein structure and function (SIFT, PolyPhen-2, Align-GVGD) all suggest that this variant is likely to be tolerated, but these predictions have not been confirmed by published functional studies and their clinical significance is uncertain. In summary, the available evidence is currently insufficient to determine the role of this variant in disease. Therefore, it has been classified as a Variant of Uncertain Significance.

NM_001370259.2(MEN1):c.179A>G (p.Glu60Gly)

Gene: MEN1 (menin 1; minus strand). Cytogenetic location: 11q13.1.
Variant type: single nucleotide variant.
Coding change: c.179A>G on transcript NM_001370259.2 (MANE Select); coding-DNA position 179, A replaced by G.
Protein change: p.Glu60Gly; replaces glutamic acid 60 with glycine.
Molecular consequence: missense variant.
Genome position (GRCh38, 1-based): chr11:64,809,931, T>C on the plus strand (A>G on the coding strand, the complement: MEN1 is on the minus strand). VCF-style: chr11-64809931-T-C. GRCh37 (hg19) VCF-style: chr11-64577403-T-C.
Other names: c.179A>G, p.Glu60Gly (NM_000244.4, NM_001370251.2, NM_001370260.2 and 9 more transcripts); short protein forms E60G.
Identifiers: ClinVar variation 961038 (VCV000961038.10), dbSNP rs1942007547, ClinGen allele CA381187706.
Genomic context (GRCh38, chr11:64,809,931, plus strand): 5'-ACGGGAAAGTAGGTGAGGCCGCCAGGCGGGTCGGGGGCGGGGCTGGGCTGGAAGGTGAGC[T>C]CGGGAACGTTGGTAGGGATGACGCGGTTGACAGCCAGAAAATGCTCCACGAAGCCCAGCA-3'
Protein context (NP_001357188.2, residues 50-70): VNRVIPTNVP[Glu60Gly]LTFQPSPAPD